The following is an entry in ClinVar:

ClinVar aggregate classification (germline): Uncertain significance. Review status: criteria provided, multiple submitters, no conflicts (2 of 4 stars). 2 submissions from 2 submitters: Uncertain significance (2). Last evaluated 2026-08-11.

Conditions:
Bardet-Biedl syndrome (BBS). Identifiers: Orphanet 110, MedGen C0752166, MONDO:0015229.
McKusick-Kaufman syndrome (MKKS). Also called: HYDROMETROCOLPOS SYNDROME; HYDROMETROCOLPOS, POSTAXIAL POLYDACTYLY, AND CONGENITAL HEART MALFORMATION. Identifiers: Orphanet 2473, MedGen C0948368, MONDO:0009367, OMIM 236700.
MKKS-related disorder. Also called: MKKS-related condition; MKKS-related disorders.

Allele frequency attached by ClinVar (database versions not stated): gnomAD exomes below 0.00001; ExAC 0.00001; gnomAD 0.00001; TOPMed 0.00001.
gnomAD v4.1: 1 of 1,614,066 alleles (0.000062%); highest among the groups gnomAD compares: African/African-American, 0.0013%; no homozygotes.

Submissions (2):

PreventionGenetics, part of Exact Sciences
Classification: Uncertain significance for MKKS-related condition. Last evaluated: 2026-08-11. Review status: criteria provided, single submitter. Criteria: ACMG Guidelines, 2015. Collection method: clinical testing. Allele origin: germline.
Comment: The MKKS c.307A>G variant is predicted to result in the amino acid substitution p.Ile103Val. To our knowledge, this variant has not been reported in the literature. This variant is reported in 0.00088% of alleles in individuals of European (Non-Finnish) descent in gnomAD. At this time, the clinical significance of this variant is uncertain due to the absence of conclusive functional and genetic evidence.

Labcorp Genetics (formerly Invitae), Labcorp
Classification: Uncertain significance for McKusick-Kaufman syndrome; Bardet-Biedl syndrome. Last evaluated: 2021-08-30. Review status: criteria provided, single submitter. Criteria: Invitae Variant Classification Sherloc (09022015). Collection method: clinical testing. Allele origin: germline.
Comment: This sequence change replaces isoleucine with valine at codon 103 of the MKKS protein (p.Ile103Val). The isoleucine residue is highly conserved and there is a small physicochemical difference between isoleucine and valine. This variant is present in population databases (rs771002171, ExAC 0.001%). This variant has not been reported in the literature in individuals affected with MKKS-related conditions. Algorithms developed to predict the effect of missense changes on protein structure and function output the following: SIFT: "Tolerated"; PolyPhen-2: "Benign"; Align-GVGD: "Class C0". The valine amino acid residue is found in multiple mammalian species, which suggests that this missense change does not adversely affect protein function. In summary, the available evidence is currently insufficient to determine the role of this variant in disease. Therefore, it has been classified as a Variant of Uncertain Significance.

NM_170784.3(MKKS):c.307A>G (p.Ile103Val)

Gene: MKKS (MKKS centrosomal shuttling protein; minus strand). Cytogenetic location: 20p12.2.
Variant type: single nucleotide variant.
Coding change: c.307A>G on transcript NM_170784.3 (MANE Select); coding-DNA position 307, A replaced by G.
Protein change: p.Ile103Val; replaces isoleucine 103 with valine.
Molecular consequence: missense variant.
Genome position (GRCh38, 1-based): chr20:10,413,208, T>C on the plus strand (A>G on the coding strand, the complement: MKKS is on the minus strand). VCF-style: chr20-10413208-T-C. GRCh37 (hg19) VCF-style: chr20-10393856-T-C.
Other names: c.307A>G, p.Ile103Val (NM_018848.3); short protein forms I103V.
Identifiers: ClinVar variation 1351051 (VCV001351051.6), dbSNP rs771002171, ClinGen allele CA9763708.
Genomic context (GRCh38, chr20:10,413,208, plus strand): 5'-GATGTTTATTTAATCTAATGACAGTGGTGGGTGTCAAGCCTAATCTCTGAACATTTTCAA[T>C]CAGGTTGCAGCAAAGAATAGCTGTGAATAAGCCACAATCACTGAAGCTTGACACATGATT-3'
Protein context (NP_740754.1, residues 93-113): LFTAILCCNL[Ile103Val]ENVQRLGLTP